The following is an entry in ClinVar:

NM_004563.4(PCK2):c.1401C>G (p.Asn467Lys)

Genes: NRL (neural retina leucine zipper; minus strand), PCK2 (phosphoenolpyruvate carboxykinase 2, mitochondrial; plus strand). Cytogenetic location: 14q12.
Variant type: single nucleotide variant.
Coding change: c.1401C>G on transcript NM_004563.4 (MANE Select); coding-DNA position 1401, C replaced by G.
Protein change: p.Asn467Lys; replaces asparagine 467 with lysine.
Molecular consequence: missense variant. On other transcripts: intron variant (3).
Genome position (GRCh38, 1-based): chr14:24,103,188, C>G. VCF-style: chr14-24103188-C-G. GRCh37 (hg19) VCF-style: chr14-24572397-C-G.
Other names: c.999C>G, p.Asn333Lys (NM_001291556.2, NM_001308054.2); c.-28+11534G>C (NM_001354768.3, NM_001354770.2); c.-254+11534G>C (NM_006177.5); short protein forms N467K, N333K.
Identifiers: ClinVar variation 392181 (VCV000392181.2), dbSNP rs758984140, ClinGen allele CA7123482.

ClinVar aggregate classification (germline): Uncertain significance (1 of 4 stars; one submission).

Allele frequency attached by ClinVar (database versions not stated): gnomAD exomes below 0.00001 and 0.00001; gnomAD 0.00001; TOPMed 0.00001; ExAC 0.00002.
gnomAD v4.1: 15 of 1,614,082 alleles (0.00093%); highest among the groups gnomAD compares: Middle Eastern, 0.016%; no homozygotes.

Submission:

GeneDx
Classification: Uncertain significance. Last evaluated: 2016-12-20. Review status: criteria provided, single submitter. Criteria: GeneDx Variant Classification (06012015). Collection method: clinical testing. Allele origin: germline. Affected: yes.
Comment: The N467K variant in the PCK2 gene has not been reported previously as a pathogenic variant, nor as a benign variant, to our knowledge. This variant was not observed in approximately 6500 individuals of European and African American ancestry in the NHLBI Exome Sequencing Project, indicating it is not a common benign variant in these populations. The N467K variant is a semi-conservative amino acid substitution, which may impact secondary protein structure as these residues differ in some properties. This substitution occurs at a position that is not conserved, and in silico analysis predicts this variant is probably damaging to the protein structure/function. We interpret N467K as a variant of uncertain significance.